The following is an entry in ClinVar:

NM_003283.6(TNNT1):c.573G>T (p.Lys191Asn)

Gene: TNNT1 (troponin T1, slow skeletal type; minus strand). Cytogenetic location: 19q13.42.
Variant type: single nucleotide variant.
Coding change: c.573G>T on transcript NM_003283.6 (MANE Select); coding-DNA position 573, G replaced by T.
Protein change: p.Lys191Asn; replaces lysine 191 with asparagine.
Molecular consequence: missense variant.
Genome position (GRCh38, 1-based): chr19:55,137,141, C>A on the plus strand (G>T on the coding strand, the complement: TNNT1 is on the minus strand). VCF-style: chr19-55137141-C-A. GRCh37 (hg19) VCF-style: chr19-55648509-C-A.
Other names: c.573G>T, p.Lys191Asn (NM_001126132.3); c.540G>T, p.Lys180Asn (NM_001126133.3, NM_001291774.2); short protein forms K191N, K180N.
Identifiers: ClinVar variation 2114181 (VCV002114181.4), dbSNP rs2515422040, ClinGen allele CA407432669.

ClinVar aggregate classification (germline): Uncertain significance (1 of 4 stars; one submission).

Conditions:
Nemaline myopathy 5 (NEM5A). Also called: Nemaline myopathy 5, Amish type; NEMALINE MYOPATHY, AMISH TYPE; NEMALINE MYOPATHY 5A, AUTOSOMAL RECESSIVE, SEVERE INFANTILE. Identifiers: Orphanet 98902, MedGen C1854380, MONDO:0011539, OMIM 605355.

Submission:

Labcorp Genetics (formerly Invitae), Labcorp
Classification: Uncertain significance for Nemaline myopathy 5. Last evaluated: 2022-03-19. Review status: criteria provided, single submitter. Criteria: Invitae Variant Classification Sherloc (09022015). Collection method: clinical testing. Allele origin: germline.
Comment: This sequence change replaces lysine, which is basic and polar, with asparagine, which is neutral and polar, at codon 191 of the TNNT1 protein (p.Lys191Asn). This variant has not been reported in the literature in individuals affected with TNNT1-related conditions. Algorithms developed to predict the effect of missense changes on protein structure and function are either unavailable or do not agree on the potential impact of this missense change (SIFT: "Deleterious"; PolyPhen-2: "Possibly Damaging"; Align-GVGD: "Class C0"). In summary, the available evidence is currently insufficient to determine the role of this variant in disease. Therefore, it has been classified as a Variant of Uncertain Significance. This variant is not present in population databases (gnomAD no frequency).